The following is an entry in ClinVar:

ClinVar aggregate classification (germline): Uncertain significance (1 of 4 stars; one submission).

Conditions:
5-Oxoprolinase deficiency (OPLAHD). Also called: 5-OXOPROLINURIA DUE TO 5-OXOPROLINASE DEFICIENCY. Identifiers: Orphanet 33572, MedGen C0268525, MONDO:0009825, OMIM 260005, HP:0040142.

Allele frequency attached by ClinVar (database versions not stated): gnomAD exomes below 0.00001 and 0.00001; ExAC 0.00001; gnomAD 0.00001; TOPMed 0.00001.
gnomAD v4.1: 17 of 1,612,370 alleles (0.0011%); highest among the groups gnomAD compares: African/African-American, 0.0027%; no homozygotes.

Submission:

Labcorp Genetics (formerly Invitae), Labcorp
Classification: Uncertain significance for 5-Oxoprolinase deficiency. Last evaluated: 2022-01-13. Review status: criteria provided, single submitter. Criteria: Invitae Variant Classification Sherloc (09022015). Collection method: clinical testing. Allele origin: germline.
Comment: In summary, the available evidence is currently insufficient to determine the role of this variant in disease. Therefore, it has been classified as a Variant of Uncertain Significance. Algorithms developed to predict the effect of missense changes on protein structure and function are either unavailable or do not agree on the potential impact of this missense change (SIFT: "Not Available"; PolyPhen-2: "Benign"; Align-GVGD: "Not Available"). This variant has not been reported in the literature in individuals affected with OPLAH-related conditions. This variant is present in population databases (rs781965027, gnomAD 0.003%). This sequence change replaces alanine, which is neutral and non-polar, with valine, which is neutral and non-polar, at codon 97 of the OPLAH protein (p.Ala97Val).

NM_017570.5(OPLAH):c.290C>T (p.Ala97Val)

Gene: OPLAH (5-oxoprolinase, ATP-hydrolysing; minus strand). Cytogenetic location: 8q24.3.
Variant type: single nucleotide variant.
Coding change: c.290C>T on transcript NM_017570.5 (MANE Select); coding-DNA position 290, C replaced by T.
Protein change: p.Ala97Val; replaces alanine 97 with valine.
Molecular consequence: missense variant.
Genome position (GRCh38, 1-based): chr8:144,059,672, G>A on the plus strand (C>T on the coding strand, the complement: OPLAH is on the minus strand). VCF-style: chr8-144059672-G-A. GRCh37 (hg19) VCF-style: chr8-145114575-G-A.
Other names: short protein forms A97V.
Identifiers: ClinVar variation 1376898 (VCV001376898.4), dbSNP rs781965027, ClinGen allele CA4932331.